The following is an entry in ClinVar:

NM_020812.4(DOCK6):c.5812G>A (p.Val1938Ile)

Gene: DOCK6 (dedicator of cytokinesis 6; minus strand). Cytogenetic location: 19p13.2.
Variant type: single nucleotide variant.
Coding change: c.5812G>A on transcript NM_020812.4 (MANE Select); coding-DNA position 5812, G replaced by A.
Protein change: p.Val1938Ile; replaces valine 1938 with isoleucine.
Molecular consequence: missense variant.
Genome position (GRCh38, 1-based): chr19:11,200,929, C>T on the plus strand (G>A on the coding strand, the complement: DOCK6 is on the minus strand). VCF-style: chr19-11200929-C-T. GRCh37 (hg19) VCF-style: chr19-11311605-C-T.
Other names: c.5917G>A, p.Val1973Ile (NM_001367830.1); c.5812G>A (NM_020812.2); short protein forms V1973I, V1938I.
Identifiers: ClinVar variation 2198334 (VCV002198334.5), dbSNP rs369609034, ClinGen allele CA9206341.

ClinVar aggregate classification (germline): Conflicting classifications of pathogenicity. Review status: criteria provided, conflicting classifications (1 of 4 stars). 2 submissions from 2 submitters: Uncertain significance (1); Likely benign (1). Last evaluated 2025-02-27.

Conditions:
Inborn genetic diseases. Identifiers: MedGen C0950123, MeSH D030342.

Allele frequency attached by ClinVar (database versions not stated): gnomAD exomes 0.00001; gnomAD 0.00002; ExAC 0.00003; TOPMed 0.00007; ESP Exome Variant Server 0.00008.
gnomAD v4.1: 17 of 1,613,842 alleles (0.0011%); highest among the groups gnomAD compares: Admixed American, 0.005%; no homozygotes.

Submissions (2):

Ambry Genetics
Classification: Likely benign for Inborn genetic diseases. Last evaluated: 2025-02-27. Review status: criteria provided, single submitter. Criteria: Ambry Variant Classification Scheme 2023. Collection method: clinical testing. Allele origin: germline.

Labcorp Genetics (formerly Invitae), Labcorp
Classification: Uncertain significance. Last evaluated: 2022-11-08. Review status: criteria provided, single submitter. Criteria: Invitae Variant Classification Sherloc (09022015). Collection method: clinical testing. Allele origin: germline.
Comment: This variant is present in population databases (rs369609034, gnomAD 0.004%). In summary, the available evidence is currently insufficient to determine the role of this variant in disease. Therefore, it has been classified as a Variant of Uncertain Significance. Algorithms developed to predict the effect of sequence changes on RNA splicing suggest that this variant may disrupt the consensus splice site. Advanced modeling of protein sequence and biophysical properties (such as structural, functional, and spatial information, amino acid conservation, physicochemical variation, residue mobility, and thermodynamic stability) performed at Invitae indicates that this missense variant is not expected to disrupt DOCK6 protein function. This variant has not been reported in the literature in individuals affected with DOCK6-related conditions. This sequence change replaces valine, which is neutral and non-polar, with isoleucine, which is neutral and non-polar, at codon 1938 of the DOCK6 protein (p.Val1938Ile).